The following is an entry in ClinVar:

c.1323C>T

Variant type: single nucleotide variant.
Identifiers: ClinVar variation 65847 (VCV000065847.3).

ClinVar aggregate classification (germline): Pathogenic (0 of 4 stars; one submission).

Conditions:
Cholestanol storage disease (CTX). Also called: CEREBRAL CHOLESTERINOSIS; Cerebrotendinous Xanthomatosis; CTX: Cerebrotendinous xanthomatosis. Identifiers: Orphanet 909, MedGen C0238052, MONDO:0008948, OMIM 213700.

Submission:

GeneReviews
Classification: Pathogenic for Cerebrotendinous Xanthomatosis. Last evaluated: 2013-08-01. Review status: no assertion criteria provided. Collection method: curation. Allele origin: unknown.
ClinVar note: Converted during submission from pathologic to Pathogenic.